The following is an entry in ClinVar:

NM_000059.4(BRCA2):c.5604_5605del (p.Asp1868fs)

Gene: BRCA2 (BRCA2 DNA repair associated; plus strand). Cytogenetic location: 13q13.1.
Variant type: Deletion.
Coding change: c.5604_5605del on transcript NM_000059.4 (MANE Select); coding-DNA positions 5604 to 5605, 2 bases deleted (CA; older notation c.5604_5605delCA).
Protein change: p.Asp1868fs; shifts the reading frame from aspartic acid 1868.
Molecular consequence: frameshift variant.
Genome position (GRCh38, 1-based): chr13:32,339,959-32,339,960, CA deleted; deleting any 2 consecutive bases within chr13:32,339,958-32,339,960 gives the same sequence; the c. name uses the placement nearest the transcript's 3' end. VCF-style (leftmost placement, unchanged base first): chr13-32339957-GAC-G. GRCh37 (hg19) VCF-style: chr13-32914094-GAC-G.
Other names: c.5603_5604del (NM_000059.4); c.5604_5605delCA (NM_000059.3).
Identifiers: ClinVar variation 254560 (VCV000254560.18), dbSNP rs773229361, ClinGen allele CA6940889.

ClinVar aggregate classification (germline): Pathogenic. Review status: reviewed by expert panel (3 of 4 stars). 7 submissions from 7 submitters: Pathogenic (1). 6 of the submissions do not count toward it. Last evaluated 2016-09-08.

Conditions:
Breast-ovarian cancer, familial, susceptibility to, 2 (BROVCA2). Also called: BRCA2 Hereditary Breast and Ovarian Cancer. Identifiers: Orphanet 145, MedGen C2675520, MONDO:0012933, OMIM 612555. Disease mechanism: loss of function.
Familial cancer of breast. Also called: hereditary breast carcinoma; BREAST CANCER, FAMILIAL; Hereditary breast cancer. Identifiers: Orphanet 227535, MedGen C0346153, MONDO:0016419, OMIM 114480. Disease mechanism: loss of function.
Hereditary cancer-predisposing syndrome. Also called: Neoplastic Syndromes, Hereditary; Tumor predisposition; Hereditary Cancer Syndrome; Hereditary neoplastic syndrome. Identifiers: Orphanet 140162, MedGen C0027672, MeSH D009386, MONDO:0015356.
Hereditary breast ovarian cancer syndrome. Also called: Hereditary breast and ovarian cancer; BRCA1- and BRCA2-Associated Hereditary Breast and Ovarian Cancer; Breast and ovarian cancer; Hereditary breast and ovarian cancer syndrome; Hereditary breast and ovarian cancer syndrome (HBOC); Hereditary breast and/or ovarian cancer syndrome. Identifiers: Orphanet 145, MedGen C0677776, MeSH D061325, MONDO:0003582. Disease mechanism: loss of function.

Submissions (7):

Evidence-based Network for the Interpretation of Germline Mutant Alleles (ENIGMA)
Classification: Pathogenic for Breast-ovarian cancer, familial, susceptibility to, 2. Last evaluated: 2016-09-08. Review status: reviewed by expert panel. Criteria: ENIGMA BRCA1/2 Classification Criteria (2015). Collection method: curation. Allele origin: germline.
Comment: Variant allele predicted to encode a truncated non-functional protein.

Women's Health and Genetics/Laboratory Corporation of America, LabCorp
Classification: Pathogenic for Hereditary breast ovarian cancer syndrome. Last evaluated: 2026-01-05. Review status: criteria provided, single submitter. Criteria: LabCorp Variant Classification Summary - May 2015. Collection method: clinical testing. Allele origin: germline. Not counted in ClinVar's aggregate classification.
Comment: Variant summary: BRCA2 c.5604_5605delCA (p.Asp1868GlufsX4) results in a premature termination codon, predicted to cause a truncation of the encoded protein or absence of the protein due to nonsense mediated decay, which are commonly known mechanisms for disease. The variant was absent in 247136 control chromosomes. c.5604_5605delCA has been observed in individual(s) affected with Hereditary Breast And Ovarian Cancer Syndrome (example: Singh_2018). The following publication has been ascertained in the context of this evaluation (PMID: 29470806). ClinVar contains an entry for this variant (Variation ID: 254560). Based on the evidence outlined above, the variant was classified as pathogenic.

Genetics and Genomic Medicine Centre, NeuroGen Healthcare, NeuroGen Healthcare
Classification: Pathogenic for Familial cancer of breast. Last evaluated: 2025-03-20. Review status: criteria provided, single submitter. Criteria: ACMG Guidelines, 2015. Collection method: clinical testing. Allele origin: unknown. Affected: no. Not counted in ClinVar's aggregate classification.

Labcorp Genetics (formerly Invitae), Labcorp
Classification: Pathogenic for Hereditary breast ovarian cancer syndrome. Last evaluated: 2023-05-25. Review status: criteria provided, single submitter. Criteria: Invitae Variant Classification Sherloc (09022015). Collection method: clinical testing. Allele origin: germline. Not counted in ClinVar's aggregate classification.
Comment: For these reasons, this variant has been classified as Pathogenic. ClinVar contains an entry for this variant (Variation ID: 254560). This premature translational stop signal has been observed in individual(s) with clinical features of BRCA2-related conditions (PMID: 21520333). This variant is not present in population databases (gnomAD no frequency). This sequence change creates a premature translational stop signal (p.Asp1868Glufs*4) in the BRCA2 gene. It is expected to result in an absent or disrupted protein product. Loss-of-function variants in BRCA2 are known to be pathogenic (PMID: 20104584).

Ambry Genetics
Classification: Pathogenic for Hereditary cancer-predisposing syndrome. Last evaluated: 2022-11-10. Review status: criteria provided, single submitter. Criteria: Ambry Variant Classification Scheme 2023. Collection method: clinical testing. Allele origin: germline. Not counted in ClinVar's aggregate classification.
Comment: The c.5604_5605delCA pathogenic mutation, located in coding exon 10 of the BRCA2 gene, results from a deletion of two nucleotides at nucleotide positions 5604 to 5605, causing a translational frameshift with a predicted alternate stop codon (p.D1868Efs*4). This variant is considered to be rare based on population cohorts in the Genome Aggregation Database (gnomAD). This alteration is expected to result in loss of function by premature protein truncation or nonsense-mediated mRNA decay. As such, this alteration is interpreted as a disease-causing mutation.

Quest Diagnostics Nichols Institute San Juan Capistrano
Classification: Pathogenic. Last evaluated: 2017-03-24. Review status: criteria provided, single submitter. Criteria: Quest Diagnostics criteria. Collection method: clinical testing. Allele origin: germline. Not counted in ClinVar's aggregate classification.

Department of Pathology and Laboratory Medicine, Sinai Health System
Classification: Pathogenic. Review status: no assertion criteria provided. Collection method: clinical testing. Allele origin: unknown. Affected: yes. Study: The Canadian Open Genetics Repository (COGR). Not counted in ClinVar's aggregate classification.
Comment: The BRCA2 p.Asp1868Glufs*4 variant was identified in 1 of 2020 proband chromosomes (frequency: 0.0005) from individuals or families with hereditary breast and ovarian cancer and was not identified in 3000 control chromosomes from healthy individuals (Singh 2017). The variant was also identified in dbSNP (ID: rs773229361) as "NA", in ClinVar (3x Pathogenic by Invitae and two other submitters), in LOVD 3.0 and in the ARUP Laboratories (definitely pathogenic) database. The variant was not identified in UMD-LSDB database nor was it identified in the following control databases: the Exome Aggregation Consortium (August 8th 2016), or the Genome Aggregation Database (Feb 27, 2017). The c.5604_5605del variant is predicted to cause a frameshift, which alters the protein's amino acid sequence beginning at codon 1868 and leads to a premature stop codon 4 codons downstream. This alteration is then predicted to result in a truncated or absent protein and loss of function. Loss of function variants of the BRCA2 gene are an established mechanism of disease in hereditary breast and ovarian cancer and is the type of variant expected to cause the disorder. In summary, based on the above information this variant meets our laboratoryâ€šÃ„Ã´s criteria to be classified as pathogenic.

Literature cited by the submitters: PubMed 29470806 (cited by Women's Health and Genetics/Laboratory Corporation of America, LabCorp); PubMed 21520333 (cited by Labcorp Genetics (formerly Invitae), Labcorp); PubMed 20104584 (cited by Labcorp Genetics (formerly Invitae), Labcorp).